The following is an entry in ClinVar:

ClinVar aggregate classification (germline): Uncertain significance. Review status: criteria provided, multiple submitters, no conflicts (2 of 4 stars). 2 submissions from 2 submitters: Uncertain significance (2). Last evaluated 2022-11-18.

Conditions:
Inborn genetic diseases. Identifiers: MedGen C0950123, MeSH D030342.
BAZ2B-related disorder. Also called: BAZ2B-related condition.

Allele frequency attached by ClinVar (database versions not stated): gnomAD exomes 0.00001.

Submissions (2):

Ambry Genetics
Classification: Uncertain significance for Inborn genetic diseases. Last evaluated: 2022-11-18. Review status: criteria provided, single submitter. Criteria: Ambry Variant Classification Scheme 2023. Collection method: clinical testing. Allele origin: germline.

PreventionGenetics, part of Exact Sciences
Classification: Uncertain significance for BAZ2B-related condition. Last evaluated: 2022-11-06. Review status: criteria provided, single submitter. Criteria: ACMG Guidelines, 2015. Collection method: clinical testing. Allele origin: germline.
Comment: The BAZ2B c.2931G>A variant is predicted to result in the amino acid substitution p.Met977Ile. To our knowledge, this variant has not been reported in the literature or in a large population database, indicating this variant is rare. At this time, the clinical significance of this variant is uncertain due to the absence of conclusive functional and genetic evidence.

NM_013450.4(BAZ2B):c.3039G>A (p.Met1013Ile)

Gene: BAZ2B (bromodomain adjacent to zinc finger domain 2B; minus strand). Cytogenetic location: 2q24.2.
Variant type: single nucleotide variant.
Coding change: c.3039G>A on transcript NM_013450.4 (MANE Select); coding-DNA position 3039, G replaced by A.
Protein change: p.Met1013Ile; replaces methionine 1013 with isoleucine.
Molecular consequence: missense variant.
Genome position (GRCh38, 1-based): chr2:159,395,805, C>T on the plus strand (G>A on the coding strand, the complement: BAZ2B is on the minus strand). VCF-style: chr2-159395805-C-T. GRCh37 (hg19) VCF-style: chr2-160252316-C-T.
Other names: c.2931G>A, p.Met977Ile (NM_001289975.1); c.2877G>A, p.Met959Ile (NM_001329857.2); c.2964G>A, p.Met988Ile (NM_001329858.2); short protein forms M1013I, M988I, M977I, M959I.
Identifiers: ClinVar variation 2327200 (VCV002327200.3), dbSNP rs2149674931, ClinGen allele CA348934895.